The following is an entry in ClinVar:

NM_001159773.2(CANT1):c.26C>G (p.Pro9Arg)

Gene: CANT1 (calcium activated nucleotidase 1; minus strand). Cytogenetic location: 17q25.3.
Variant type: single nucleotide variant.
Coding change: c.26C>G on transcript NM_001159773.2 (MANE Select); coding-DNA position 26, C replaced by G.
Protein change: p.Pro9Arg; replaces proline 9 with arginine.
Molecular consequence: missense variant.
Genome position (GRCh38, 1-based): chr17:78,997,597, G>C on the plus strand (C>G on the coding strand, the complement: CANT1 is on the minus strand). VCF-style: chr17-78997597-G-C. GRCh37 (hg19) VCF-style: chr17-76993679-G-C.
Other names: c.26C>G, p.Pro9Arg (NM_001159772.2, NM_138793.4); short protein forms P9R.
Identifiers: ClinVar variation 1059497 (VCV001059497.9), dbSNP rs747532973, ClinGen allele CA401309605.

ClinVar aggregate classification (germline): Uncertain significance (1 of 4 stars; one submission).

Submission:

Labcorp Genetics (formerly Invitae), Labcorp
Classification: Uncertain significance. Last evaluated: 2022-06-13. Review status: criteria provided, single submitter. Criteria: Invitae Variant Classification Sherloc (09022015). Collection method: clinical testing. Allele origin: germline.
Comment: This sequence change replaces proline, which is neutral and non-polar, with arginine, which is basic and polar, at codon 9 of the CANT1 protein (p.Pro9Arg). This variant is present in population databases (no rsID available, gnomAD 0.002%). In summary, the available evidence is currently insufficient to determine the role of this variant in disease. Therefore, it has been classified as a Variant of Uncertain Significance. Algorithms developed to predict the effect of missense changes on protein structure and function output the following: SIFT: "Tolerated"; PolyPhen-2: "Benign"; Align-GVGD: "Class C0". The arginine amino acid residue is found in multiple mammalian species, which suggests that this missense change does not adversely affect protein function. ClinVar contains an entry for this variant (Variation ID: 1059497). This variant has not been reported in the literature in individuals affected with CANT1-related conditions.